The following is an entry in ClinVar:

NC_000020.10:g.(?_61978090)_(62073904_?)dup

Genes: CHRNA4 (cholinergic receptor nicotinic alpha 4 subunit; minus strand), KCNQ2 (potassium voltage-gated channel subfamily Q member 2; minus strand). Cytogenetic location: 20q13.33.
Variant type: Duplication.
Identifiers: ClinVar variation 3248252 (VCV003248252.1).

ClinVar aggregate classification (germline): Uncertain significance (1 of 4 stars; one submission).

Conditions:
Developmental and epileptic encephalopathy. Identifiers: MedGen C5779964, MONDO:0100620.

Submission:

Labcorp Genetics (formerly Invitae), Labcorp
Classification: Uncertain significance for Early-infantile DEE. Last evaluated: 2023-04-25. Review status: criteria provided, single submitter. Criteria: Invitae Variant Classification Sherloc (09022015). Collection method: clinical testing. Allele origin: unknown.
Comment: In summary, the available evidence is currently insufficient to determine the role of this variant in disease. Therefore, it has been classified as a Variant of Uncertain Significance. This variant has not been reported in the literature in individuals affected with KCNQ2-related conditions. This variant results in a copy number gain of the genomic region encompassing exon(s) 5-17 of the KCNQ2 gene. This region includes the termination codon of the gene. This copy number gain extends beyond the assayed region for this gene and therefore may encompass additional genes. As the precise location of this event is unknown, it may be in tandem or it may be located elsewhere in the genome.